The following is an entry in ClinVar:

ClinVar aggregate classification (germline): Uncertain significance (1 of 4 stars; one submission).

Submission:

Labcorp Genetics (formerly Invitae), Labcorp
Classification: Uncertain significance. Last evaluated: 2026-01-19. Review status: criteria provided, single submitter. Criteria: Invitae Variant Classification Sherloc (09022015). Collection method: clinical testing. Allele origin: germline.
Comment: This sequence change falls in intron 1 of the GFER gene. It does not directly change the encoded amino acid sequence of the GFER protein. This variant is not present in population databases (gnomAD no frequency). This variant has not been reported in the literature in individuals affected with GFER-related conditions. ClinVar contains an entry for this variant (Variation ID: 2003611). Algorithms developed to predict the effect of sequence changes on RNA splicing suggest that this variant may disrupt the consensus splice site. In summary, the available evidence is currently insufficient to determine the role of this variant in disease. Therefore, it has been classified as a Variant of Uncertain Significance.

NM_005262.3(GFER):c.259-6C>A

Gene: GFER (growth factor, augmenter of liver regeneration; plus strand). Cytogenetic location: 16p13.3.
Variant type: single nucleotide variant.
Coding change: c.259-6C>A on transcript NM_005262.3 (MANE Select); 6 bases into the intron before coding-DNA position 259, C replaced by A.
Molecular consequence: intron variant.
Genome position (GRCh38, 1-based): chr16:1,984,741, C>A. VCF-style: chr16-1984741-C-A. GRCh37 (hg19) VCF-style: chr16-2034742-C-A.
Identifiers: ClinVar variation 2003611 (VCV002003611.4), dbSNP rs2548269071, ClinGen allele CA394301997.